The following is an entry in ClinVar:

ClinVar aggregate classification (germline): Uncertain significance (1 of 4 stars; one submission).

Submission:

GeneDx
Classification: Uncertain significance. Last evaluated: 2023-12-20. Review status: criteria provided, single submitter. Criteria: GeneDx Variant Classification Process June 2021. Collection method: clinical testing. Allele origin: germline. Affected: yes.
Comment: Not observed at significant frequency in large population cohorts (gnomAD); In silico analysis supports that this missense variant has a deleterious effect on protein structure/function; Has not been previously published as pathogenic or benign to our knowledge

NM_014727.3(KMT2B):c.5240C>T (p.Ser1747Leu)

Gene: KMT2B (lysine methyltransferase 2B; plus strand). Cytogenetic location: 19q13.12.
Variant type: single nucleotide variant.
Coding change: c.5240C>T on transcript NM_014727.3 (MANE Select); coding-DNA position 5240, C replaced by T.
Protein change: p.Ser1747Leu; replaces serine 1747 with leucine.
Molecular consequence: missense variant.
Genome position (GRCh38, 1-based): chr19:35,730,580, C>T. VCF-style: chr19-35730580-C-T. GRCh37 (hg19) VCF-style: chr19-36221481-C-T.
Other names: short protein forms S1747L.
Identifiers: ClinVar variation 3370158 (VCV003370158.1).
Genomic context (GRCh38, chr19:35,730,580, plus strand): 5'-CTCCGCTTTGCACCACAGGTTCCATCCGCATTGACTCCCTGGGTACTCTGTCTGATCTCT[C>T]GGACTGCGAGGGACGGCTCTTCCCCATTGGCTACCAGTGAGCGGTCGGGGTGATCCATGG-3'
Protein context (NP_055542.1, residues 1737-1757): IDSLGTLSDL[Ser1747Leu]DCEGRLFPIG